The following is an entry in ClinVar:

ClinVar aggregate classification (germline): Uncertain significance. Review status: criteria provided, multiple submitters, no conflicts (2 of 4 stars). 3 submissions from 3 submitters: Uncertain significance (2). 1 of the submissions does not count toward it. Last evaluated 2024-09-12.

Conditions:
Glycogen storage disease type III (GSD3). Also called: FORBES DISEASE; Cori disease. Identifiers: Orphanet 366, MedGen C0017922, MONDO:0009291, OMIM 232400.

Allele frequency attached by ClinVar (database versions not stated): TOPMed 0.00006; ExAC 0.00007; gnomAD 0.00009; gnomAD exomes 0.00009.
gnomAD v4.1: 145 of 1,613,792 alleles (0.009%); highest among the groups gnomAD compares: Non-Finnish European, 0.011%; no homozygotes.

Submissions (3):

Blueprint Genetics
Classification: Uncertain significance. Last evaluated: 2024-09-12. Review status: criteria provided, single submitter. Criteria: ACMG Guidelines, 2015. Collection method: clinical testing. Allele origin: germline.

Labcorp Genetics (formerly Invitae), Labcorp
Classification: Uncertain significance for Glycogen storage disease type III. Last evaluated: 2022-06-30. Review status: criteria provided, single submitter. Criteria: Invitae Variant Classification Sherloc (09022015). Collection method: clinical testing. Allele origin: germline.
Comment: This sequence change replaces arginine, which is basic and polar, with cysteine, which is neutral and slightly polar, at codon 256 of the AGL protein (p.Arg256Cys). This variant is present in population databases (rs757347826, gnomAD 0.02%). This variant has not been reported in the literature in individuals affected with AGL-related conditions. ClinVar contains an entry for this variant (Variation ID: 581236). Algorithms developed to predict the effect of missense changes on protein structure and function are either unavailable or do not agree on the potential impact of this missense change (SIFT: "Deleterious"; PolyPhen-2: "Benign"; Align-GVGD: "Class C0"). In summary, the available evidence is currently insufficient to determine the role of this variant in disease. Therefore, it has been classified as a Variant of Uncertain Significance.

Natera, Inc.
Classification: Uncertain significance for Glycogen storage disease type III. Last evaluated: 2019-10-28. Review status: no assertion criteria provided. Collection method: clinical testing. Allele origin: germline. Not counted in ClinVar's aggregate classification.

NM_000642.3(AGL):c.766C>T (p.Arg256Cys)

Gene: AGL (amylo-alpha-1,6-glucosidase and 4-alpha-glucanotransferase; plus strand). Cytogenetic location: 1p21.2.
Variant type: single nucleotide variant.
Coding change: c.766C>T on transcript NM_000642.3 (MANE Select); coding-DNA position 766, C replaced by T.
Protein change: p.Arg256Cys; replaces arginine 256 with cysteine.
Molecular consequence: missense variant.
Genome position (GRCh38, 1-based): chr1:99,870,501, C>T. VCF-style: chr1-99870501-C-T. GRCh37 (hg19) VCF-style: chr1-100336057-C-T.
Other names: c.766C>T, p.Arg256Cys (NM_000028.3, NM_000643.3, NM_000644.3 and 3 more transcripts); c.718C>T, p.Arg240Cys (NM_000646.3); c.562C>T, p.Arg188Cys (NM_001425328.1, NM_001425329.1); c.388C>T, p.Arg130Cys (NM_001425332.1); short protein forms R256C, R240C, R130C, R188C.
Identifiers: ClinVar variation 581236 (VCV000581236.12), dbSNP rs757347826, ClinGen allele CA966264.
Genomic context (GRCh38, chr1:99,870,501, plus strand): 5'-TATAATCTTGTGAATTCTCCACACTTAAAACCTGCCTGGGTCTTAGACAGAGCACTTTGG[C>T]GTTTCTCCTGTGATGTTGCAGAAGGGAAATACAAAGAAAAGGGAATACCTGCTTTGATTG-3'
Protein context (NP_000633.2, residues 246-266): PAWVLDRALW[Arg256Cys]FSCDVAEGKY